The following is an entry in ClinVar:

NM_000352.6(ABCC8):c.1368C>T (p.Leu456=)

Gene: ABCC8 (ATP binding cassette subfamily C member 8; minus strand). Cytogenetic location: 11p15.1.
Variant type: single nucleotide variant.
Coding change: c.1368C>T on transcript NM_000352.6 (MANE Select); coding-DNA position 1368, C replaced by T.
Protein change: p.Leu456=; no amino-acid change (leucine 456 retained).
Molecular consequence: synonymous variant. On other transcripts: non-coding transcript variant (1).
Genome position (GRCh38, 1-based): chr11:17,443,277, G>A on the plus strand (C>T on the coding strand, the complement: ABCC8 is on the minus strand). VCF-style: chr11-17443277-G-A. GRCh37 (hg19) VCF-style: chr11-17464824-G-A.
Other names: c.1368C>T, p.Leu456= (NM_001287174.3, NM_001351295.2); c.1365C>T, p.Leu455= (NM_001351296.2, NM_001351297.2).
Identifiers: ClinVar variation 772791 (VCV000772791.14), dbSNP rs775001123, ClinGen allele CA5903596.

ClinVar aggregate classification (germline): Conflicting classifications of pathogenicity. Review status: criteria provided, conflicting classifications (1 of 4 stars). 6 submissions from 5 submitters: Uncertain significance (2); Likely benign (3). 1 of the submissions does not count toward it. Last evaluated 2025-02-18.

Conditions:
Hereditary hyperinsulinism.
Transitory neonatal diabetes mellitus. Also called: Transient neonatal diabetes mellitus. Identifiers: MedGen C0342273, MONDO:0020525, HP:0008255.
Maturity-onset diabetes of the young (MODY). Also called: Maturity onset diabetes mellitus in young. Identifiers: Orphanet 552, MedGen C0342276, MONDO:0018911, HP:0004904.

Allele frequency attached by ClinVar (database versions not stated): gnomAD 0.00001; TOPMed 0.00001; ExAC 0.00006; gnomAD exomes 0.00006.
gnomAD v4.1: 40 of 1,614,032 alleles (0.0025%); highest among the groups gnomAD compares: South Asian, 0.032%; 1 homozygote.

Submissions (6):

Women's Health and Genetics/Laboratory Corporation of America, LabCorp
Classification: Likely benign. Last evaluated: 2025-02-18. Review status: criteria provided, single submitter. Criteria: LabCorp Variant Classification Summary - May 2015. Collection method: clinical testing. Allele origin: germline.

Labcorp Genetics (formerly Invitae), Labcorp
Classification: Likely benign. Last evaluated: 2024-02-09. Review status: criteria provided, single submitter. Criteria: Invitae Variant Classification Sherloc (09022015). Collection method: clinical testing. Allele origin: germline.

Blueprint Genetics
Classification: Likely benign. Last evaluated: 2019-09-04. Review status: criteria provided, single submitter. Criteria: ACMG Guidelines, 2015. Collection method: clinical testing. Allele origin: germline.

Clinical Genomics, Uppaluri K&H Personalized Medicine Clinic
Classification: Uncertain significance for Maturity-onset diabetes of the young. Review status: criteria provided, single submitter. Criteria: K & H Uppaluri Personalized Medicine Clinic Variant Classification & Assertion Criteria_Updated V.1. Collection method: research. Allele origin: unknown. Inheritance: Somatic mutation.
Comment: Mutations in ABCC8 gene are associated with both neonatal diabetes mellitus as well as MODY. Patients with this mutation may have a better response to sulfonylureas. However, no sufficient evidence is found to ascertain the role of this particular variant (rs775001123) in MODY yet.

Clinical Genomics, Uppaluri K&H Personalized Medicine Clinic
Classification: Uncertain significance for Transitory neonatal diabetes mellitus. Review status: criteria provided, single submitter. Criteria: K & H Uppaluri Personalized Medicine Clinic Variant Classification & Assertion Criteria_Updated V.1. Collection method: research. Allele origin: unknown. Inheritance: Somatic mutation.
Comment: Mutations in ABCC8 gene are associated with both neonatal diabetes mellitus as well as MODY. Patients with this mutation may have a better response to sulfonylureas. However, no sufficient evidence is found to ascertain the role of this particular variant (rs775001123) in neonatal diabetes yet.

Natera, Inc.
Classification: Likely benign for Hereditary hyperinsulinism. Last evaluated: 2020-04-10. Review status: no assertion criteria provided. Collection method: clinical testing. Allele origin: germline. Not counted in ClinVar's aggregate classification.

Literature cited by the submitters: PubMed 16885549 (cited by Clinical Genomics, Uppaluri K&H Personalized Medicine Clinic); PubMed 21989597 (cited by Clinical Genomics, Uppaluri K&H Personalized Medicine Clinic); PubMed 27538677 (cited by Clinical Genomics, Uppaluri K&H Personalized Medicine Clinic); PubMed 18981553 (cited by Clinical Genomics, Uppaluri K&H Personalized Medicine Clinic); PubMed 32027066 (cited by Clinical Genomics, Uppaluri K&H Personalized Medicine Clinic); PubMed 16613899 (cited by Clinical Genomics, Uppaluri K&H Personalized Medicine Clinic); PubMed 18025408 (cited by Clinical Genomics, Uppaluri K&H Personalized Medicine Clinic); PubMed 32792356 (cited by Clinical Genomics, Uppaluri K&H Personalized Medicine Clinic).